The following is an entry in ClinVar:

ClinVar aggregate classification (germline): Conflicting classifications of pathogenicity. Review status: criteria provided, conflicting classifications (1 of 4 stars). 18 submissions from 18 submitters: Pathogenic (9); Likely pathogenic (5); Uncertain significance (1). 3 of the submissions do not count toward it. Last evaluated 2026-06-16.

Conditions:
PKD1-related disorder. Also called: PKD1-related condition.
PKD1-Biallelic Autosomal Recessive Polycystic Kidney Disease.
Inborn genetic diseases. Identifiers: MedGen C0950123, MeSH D030342.
Autosomal dominant polycystic kidney disease. Identifiers: Orphanet 730, MedGen C0085413, MONDO:0004691.
Polycystic kidney disease, adult type (PKD1). Also called: Polycystic Kidney, Autosomal Dominant; POLYCYSTIC KIDNEY DISEASE, ADULT, TYPE I; POLYCYSTIC KIDNEY DISEASE 1 WITH OR WITHOUT POLYCYSTIC LIVER DISEASE; Polycystic Kidney Disease 1, Autosomal Dominant; Polycystic kidney disease 1; Polycystic kidney disease 1, severe. Identifiers: MedGen C3149841, MONDO:0008263, OMIM 173900.

Allele frequency attached by ClinVar (database versions not stated): gnomAD exomes 0.00017; gnomAD 0.00031 and 0.00032; ESP Exome Variant Server 0.00016; ExAC 0.00018; TOPMed 0.00023.
gnomAD v4.1: 515 of 1,563,456 alleles (0.033%); highest among the groups gnomAD compares: Non-Finnish European, 0.042%; no homozygotes.

Submissions 1 to 5 of 18:

PreventionGenetics, part of Exact Sciences
Classification: Uncertain significance for PKD1-related condition. Last evaluated: 2026-06-16. Review status: criteria provided, single submitter. Criteria: ACMG Guidelines, 2015. Collection method: clinical testing. Allele origin: germline.
Comment: The PKD1 c.9829C>T variant is predicted to result in the amino acid substitution p.Arg3277Cys. This variant has been reported to be a likely hypomorphic allele for autosomal dominant polycystic kidney disease (ADPKD) (Rossetti et al. 2009. PubMed ID: 19165178; Hopp et al. 2012. PubMed ID: 23064367; Audrézet et al. 2016. PubMed ID: 26139440; Mantovani et al. 2020. PubMed ID: 32457805). By itself, this type of variant may cause no disease or only relatively mild disease. However, in combination with other pathogenic variants, it may contribute to disease severity such as very early onset polycystic kidney disease (VEO-PKD). This variant is reported in 0.045% of alleles in individuals of European (Non-Finnish) descent in gnomAD. At this time, the clinical significance of this variant is uncertain due to the absence of conclusive functional and genetic evidence.

Ambry Genetics
Classification: Pathogenic for Inborn genetic diseases. Last evaluated: 2026-03-25. Review status: criteria provided, single submitter. Criteria: Ambry Variant Classification Scheme 2023. Collection method: clinical testing. Allele origin: germline.
Comment: The c.9829C>T (p.R3277C) alteration is located in exon 29 (coding exon 29) of the PKD1 gene. This alteration results from a C to T substitution at nucleotide position 9829, causing the arginine (R) at amino acid position 3277 to be replaced by a cysteine (C). for autosomal recessive PKD1-related polycystic kidney disease; however, its clinical significance for PKD1-related polycystic kidney disease is uncertain. Based on data from gnomAD, the T allele has an overall frequency of 0.021% (44/205410) total alleles studied. The highest observed frequency was 0.045% (39/86046) of European (non-Finnish) alleles. This variant has been identified in the homozygous state and/or in conjunction with other variant(s) in this same gene in individual(s) with features consistent with autosomal recessive PKD1-related polycystic kidney disease and segregated with disease in at least one family. While this variant is disease-causing in homozygosity or compound heterozygosity, it is unlikely to cause overt kidney disease when present in single heterozygosity, although single heterozygous individuals may develop a small number of renal cysts (Audr&eacute;zet, 2016; Rossetti, 2009; Frank, 2025; Vujic, 2010; Durkie, 2021; Mantovani, 2020; Wilson, 2020; Felker, 2026). This amino acid position is highly conserved in available vertebrate species. An animal model expressing this variant exhibited phenotype(s) consistent with autosomal recessive PKD1-related disease (Hopp, 2012). This alteration is predicted to be deleterious by in silico analysis. Based on the available evidence, this alteration is classified as pathogenic.

Victorian Clinical Genetics Services, Murdoch Childrens Research Institute
Classification: Pathogenic for Polycystic kidney disease, adult type. Last evaluated: 2026-03-04. Review status: criteria provided, single submitter. Criteria: ACMG Guidelines, 2015. Collection method: clinical testing. Allele origin: germline. Affected: yes.
Comment: This variant is classified as Pathogenic. Evidence in support of pathogenic classification: Variant is present in gnomAD (v3) <0.001 for a dominant condition (46 heterozygotes, 0 homozygotes); This variant has strong previous evidence of pathogenicity in unrelated individuals. This variant has been described as a VUS, however, it is commonly described as a hypomorphic pathogenic or likely pathogenic allele. It has been reported in a homozygous or compound heterozygous state in multiple individuals with polycystic kidney disease, but also in a heterozygous state in mildly affected individuals (ClinVar, GeneReviews, PKD Mutation Database); This variant has moderate functional evidence supporting abnormal protein function through defective PC-1 cleavage, protein folding and trafficking (PMID: 23064367); Missense variant consistently predicted to be damaging by multiple in silico tools or highly conserved with a major amino acid change. Additional information: Variant is predicted to result in a missense amino acid change from Arg to Cys; This variant is heterozygous; This gene is associated with autosomal dominant disease. Polycystic kidney disease 1 (MIM#173900) is predominantly caused by monoallelic variants, with rare reports of biallelic variants causing disease (OMIM); An alternative amino acid change at the same position has been observed in gnomAD (v2) (1 heterozygote, 0 homozygotes); No comparable missense variants have previous evidence for pathogenicity; Variant is not located in an established domain, motif, hotspot or informative constraint region; Loss of function is a known mechanism of disease in this gene and is associated with polycystic kidney disease 1 (MIM#173900); Inheritance information for this variant is not currently available in this individual.

Variantyx, Inc.
Classification: Likely pathogenic for Polycystic kidney disease, adult type. Last evaluated: 2025-12-26. Review status: criteria provided, single submitter. Criteria: Variantyx Assertion Criteria 2022. Collection method: clinical testing. Allele origin: germline. Inheritance: Autosomal dominant inheritance. Affected: no.
Comment: This is a nonsynonymous hypomorphic variant in the PKD1 gene (OMIM: 601313). Pathogenic variants in this gene have been associated with autosomal dominant Polycystic kidney disease 1. This is an established founder variant in the Danish population (PMID: 33639313) (PS4) and it has been observed to segregate with disease in at least 7 individuals from 4 families (PMID: 19165178, 20558538) (PP1). Computational algorithms produce conflicting evidence regarding the predicted functional impact of this variant (REVEL score: 0.634) , but functional studies have shown that this variant alters PKD1 protein function (PMID: 23064367) (PS3_Moderate). This variant has been reported in the heterozygous or homozygous state in numerous unrelated affected individuals (PMID: 32457805, 35372954, 37543885, 23431072, 33437033, 34290017, 29038287) and it has a 0.0421% maximum allele frequency in non-founder control populations. Inheritance from an unaffected or mildly affected parent has been reported, consistent with incomplete penetrance and variable expressivity (PMID: 33639313, 34290017, 19165178, 20558538). Based on the current evidence, this variant is classified as likely pathogenic with reduced penetrance for autosomal dominant polycystic kidney disease 1.

Genetic Services Laboratory, University of Chicago
Classification: Likely pathogenic. Last evaluated: 2025-12-23. Review status: criteria provided, single submitter. Criteria: ACMG Guidelines, 2015. Collection method: clinical testing. Allele origin: germline.
Comment: The c.9829C>T variant: Results in an amino acid change, p.Arg3277Cys. Affects a highly conserved amino acid residue located in a domain of the PKD1 protein that is not known to be functional. Appears to be deleterious using several in-silico pathogenicity prediction tools. Has been previously described in a homozygous state in two family members with end stage renal disease. Other family members who were heterozygous for the variant presented with few renal cysts (PMID: 19165178). Has also been reported in trans configuration (on opposite alleles) with a truncating variant in other ADPKD famiies with in utero onset and/or severe phenotypes (PMID: 19165178, 20558538). Has been described in unaffected parents of an affected individual (PMID: 26139440, 33168999, 20558538). Demonstrated its functionally hypomorphic nature in genetically engineered mouse model studies. It showed that the mice heterozygous for the variant had no clinical features of ADPKD, whereas homozygous mice developed gradual cystogenesis, and mice that were compound heterozygous for the variant and a null allele had rapidly progressive disease (PMID: 23064367). Has been described as a hypomorphic allele as it has been reported in several individuals with polycystic kidney disease in a homozygous and compound heterozygous state with another pathogenic variant but has also been reported in individuals with milder phenotypes such as renal cysts in a heterozygous state. ClinVar contains an entry for this variant (Variation ID: 192320). Collectively, this evidence indicates that this variant is likely pathogenic hypomorphic variant.

NM_001009944.3(PKD1):c.9829C>T (p.Arg3277Cys)

Gene: PKD1 (polycystin 1, transient receptor potential channel interacting; minus strand). Cytogenetic location: 16p13.3.
Variant type: single nucleotide variant.
Coding change: c.9829C>T on transcript NM_001009944.3 (MANE Select); coding-DNA position 9829, C replaced by T.
Protein change: p.Arg3277Cys; replaces arginine 3277 with cysteine.
Molecular consequence: missense variant.
Genome position (GRCh38, 1-based): chr16:2,099,955, G>A on the plus strand (C>T on the coding strand, the complement: PKD1 is on the minus strand). VCF-style: chr16-2099955-G-A. GRCh37 (hg19) VCF-style: chr16-2149956-G-A.
Other names: c.9829C>T (NM_000296.3); c.9829C>T, p.Arg3277Cys (NM_000296.4); short protein forms R3277C.
Identifiers: ClinVar variation 192320 (VCV000192320.38), dbSNP rs148812376, ClinGen allele CA347279.